The following is an entry in ClinVar:

ClinVar aggregate classification (germline): Uncertain significance (1 of 4 stars; one submission).

gnomAD v4.1: 2 of 1,209,701 alleles (0.00017%); no homozygotes.

Submission:

Labcorp Genetics (formerly Invitae), Labcorp
Classification: Uncertain significance. Last evaluated: 2025-07-04. Review status: criteria provided, single submitter. Criteria: Invitae Variant Classification Sherloc (09022015). Collection method: clinical testing. Allele origin: germline.
Comment: This sequence change replaces threonine, which is neutral and polar, with isoleucine, which is neutral and non-polar, at codon 364 of the AMER1 protein (p.Thr364Ile). This variant is not present in population databases (gnomAD no frequency). This variant has not been reported in the literature in individuals affected with AMER1-related conditions. ClinVar contains an entry for this variant (Variation ID: 3673317). An algorithm developed to predict the effect of missense changes on protein structure and function (PolyPhen-2) suggests that this variant is likely to be disruptive. In summary, the available evidence is currently insufficient to determine the role of this variant in disease. Therefore, it has been classified as a Variant of Uncertain Significance.

NM_152424.4(AMER1):c.1091C>T (p.Thr364Ile)

Gene: AMER1 (APC membrane recruitment protein 1; minus strand). Cytogenetic location: Xq11.2.
Variant type: single nucleotide variant.
Coding change: c.1091C>T on transcript NM_152424.4 (MANE Select); coding-DNA position 1091, C replaced by T.
Protein change: p.Thr364Ile; replaces threonine 364 with isoleucine.
Molecular consequence: missense variant.
Genome position (GRCh38, 1-based): chrX:64,192,196, G>A on the plus strand (C>T on the coding strand, the complement: AMER1 is on the minus strand). VCF-style: chrX-64192196-G-A. GRCh37 (hg19) VCF-style: chrX-63412076-G-A.
Other names: short protein forms T364I.
Identifiers: ClinVar variation 3673317 (VCV003673317.2).